The following is an entry in ClinVar:

NM_018942.3(HMX1):c.296C>T (p.Pro99Leu)

Gene: HMX1 (H6 family homeobox 1; minus strand). Cytogenetic location: 4p16.1.
Variant type: single nucleotide variant.
Coding change: c.296C>T on transcript NM_018942.3 (MANE Select); coding-DNA position 296, C replaced by T.
Protein change: p.Pro99Leu; replaces proline 99 with leucine.
Molecular consequence: missense variant.
Genome position (GRCh38, 1-based): chr4:8,871,319, G>A on the plus strand (C>T on the coding strand, the complement: HMX1 is on the minus strand). VCF-style: chr4-8871319-G-A. GRCh37 (hg19) VCF-style: chr4-8873045-G-A.
Other names: c.296C>T, p.Pro99Leu (NM_001306142.2); c.296C>T (NM_018942.2); short protein forms P99L.
Identifiers: ClinVar variation 1052163 (VCV001052163.7), dbSNP rs537504619, ClinGen allele CA92350221.

ClinVar aggregate classification (germline): Conflicting classifications of pathogenicity. Review status: criteria provided, conflicting classifications (1 of 4 stars). 3 submissions from 3 submitters: Uncertain significance (2); Likely benign (1). Last evaluated 2025-08-30.

Conditions:
Inborn genetic diseases. Identifiers: MedGen C0950123, MeSH D030342.

Allele frequency attached by ClinVar (database versions not stated): gnomAD exomes 0.00001; TOPMed 0.00027; gnomAD 0.00028 and 0.00030; 1000 Genomes Project 0.00080; 1000 Genomes Project 30x 0.00109.
gnomAD v4.1: 59 of 1,377,142 alleles (0.0043%); highest among the groups gnomAD compares: African/African-American, 0.086%; no homozygotes.

Submissions (3):

Ambry Genetics
Classification: Uncertain significance for Inborn genetic diseases. Last evaluated: 2025-08-30. Review status: criteria provided, single submitter. Criteria: Ambry Variant Classification Scheme 2023. Collection method: clinical testing. Allele origin: germline.

Labcorp Genetics (formerly Invitae), Labcorp
Classification: Uncertain significance. Last evaluated: 2024-01-19. Review status: criteria provided, single submitter. Criteria: Invitae Variant Classification Sherloc (09022015). Collection method: clinical testing. Allele origin: germline.
Comment: This sequence change replaces proline, which is neutral and non-polar, with leucine, which is neutral and non-polar, at codon 99 of the HMX1 protein (p.Pro99Leu). This variant is present in population databases (rs537504619, gnomAD 0.1%). This variant has not been reported in the literature in individuals affected with HMX1-related conditions. ClinVar contains an entry for this variant (Variation ID: 1052163). Advanced modeling of protein sequence and biophysical properties (such as structural, functional, and spatial information, amino acid conservation, physicochemical variation, residue mobility, and thermodynamic stability) performed at Invitae indicates that this missense variant is not expected to disrupt HMX1 protein function with a negative predictive value of 80%. In summary, the available evidence is currently insufficient to determine the role of this variant in disease. Therefore, it has been classified as a Variant of Uncertain Significance.

Blueprint Genetics
Classification: Likely benign. Last evaluated: 2022-05-24. Review status: criteria provided, single submitter. Criteria: ACMG Guidelines, 2015. Collection method: clinical testing. Allele origin: germline.